The following is an entry in ClinVar:

NM_004260.4(RECQL4):c.3445C>G (p.Leu1149Val)

Gene: RECQL4 (RecQ like helicase 4; minus strand). Cytogenetic location: 8q24.3.
Variant type: single nucleotide variant.
Coding change: c.3445C>G on transcript NM_004260.4 (MANE Select); coding-DNA position 3445, C replaced by G.
Protein change: p.Leu1149Val; replaces leucine 1149 with valine.
Molecular consequence: missense variant. On other transcripts: non-coding transcript variant (3).
Genome position (GRCh38, 1-based): chr8:144,511,738, G>C on the plus strand (C>G on the coding strand, the complement: RECQL4 is on the minus strand). VCF-style: chr8-144511738-G-C. GRCh37 (hg19) VCF-style: chr8-145737121-G-C.
Other names: c.3151C>G, p.Leu1051Val (NM_001413017.1); c.3247C>G, p.Leu1083Val (NM_001413018.1); c.3520C>G, p.Leu1174Val (NM_001413019.1); c.3349C>G, p.Leu1117Val (NM_001413020.1); c.2374C>G, p.Leu792Val (NM_001413021.1, NM_001413022.1, NM_001413024.1 and 4 more transcripts); c.2449C>G, p.Leu817Val (NM_001413023.1); c.3316C>G, p.Leu1106Val (NM_001413025.1); c.2308C>G, p.Leu770Val (NM_001413027.1, NM_001413030.1, NM_001413032.1); and 9 more; short protein forms L1032V, L1106V, L1051V, L726V, L748V, L792V, L795V, L1105V.
Identifiers: ClinVar variation 4999074 (VCV004999074.1).
Genomic context (GRCh38, chr8:144,511,738, plus strand): 5'-CACCGATGCCGTGGAAGATGCGGGCCACAGCCCTGCTGGAGAACTTCTCCTCTGGCCTCA[G>C]GGACAGGAACTGGCGGATGTCGCAGCGGACCTGGTCCTCCCAATCCTGGAGCTGTGTGGA-3'
Protein context (NP_004251.4, residues 1139-1159): VRCDIRQFLS[Leu1149Val]RPEEKFSSRA

ClinVar aggregate classification (germline): Uncertain significance (1 of 4 stars; one submission).

Conditions:
RECQL4-related disorder. Also called: RECQL4-related disorders; RECQL4-related condition.

gnomAD v4.1: 4 of 1,612,610 alleles (0.00025%); highest among the groups gnomAD compares: South Asian, 0.0033%; no homozygotes.

Submission:

PreventionGenetics, part of Exact Sciences
Classification: Uncertain significance for RECQL4-related condition. Last evaluated: 2024-11-20. Review status: criteria provided, single submitter. Criteria: ACMG Guidelines, 2015. Collection method: clinical testing. Allele origin: germline.
Comment: The RECQL4 c.3445C>G variant is predicted to result in the amino acid substitution p.Leu1149Val. To our knowledge, this variant has not been reported in the literature. This variant is reported in 0.013% of alleles in individuals of South Asian descent in gnomAD. At this time, the clinical significance of this variant is uncertain due to the absence of conclusive functional and genetic evidence.